The following is an entry in ClinVar:

NM_001111067.4(ACVR1):c.100_101del (p.Met34fs)

Gene: ACVR1 (activin A receptor type 1; minus strand). Cytogenetic location: 2q24.1.
Variant type: Deletion.
Coding change: c.100_101del on transcript NM_001111067.4 (MANE Select); coding-DNA positions 100 to 101, 2 bases deleted (AT; older notation c.100_101delAT).
Protein change: p.Met34fs; shifts the reading frame from methionine 34.
Molecular consequence: frameshift variant.
Genome position (GRCh38, 1-based): chr2:157,780,567-157,780,568, AT deleted on the plus strand (AT on the coding strand, the reverse complement: ACVR1 is on the minus strand). VCF-style (leftmost placement, unchanged base first): chr2-157780566-CAT-C. GRCh37 (hg19) VCF-style: chr2-158637078-CAT-C.
Other names: c.100_101del, p.Met34fs (NM_001105.5, NM_001347663.1, NM_001347664.1 and 3 more transcripts); short protein forms M34fs.
Identifiers: ClinVar variation 3019117 (VCV003019117.3), dbSNP rs752191696, ClinGen allele CA59281068.

ClinVar aggregate classification (germline): Uncertain significance (1 of 4 stars; one submission).

Allele frequency attached by ClinVar (database versions not stated): gnomAD 0.00001; gnomAD exomes 0.00002; TOPMed 0.00002.

Submission:

Labcorp Genetics (formerly Invitae), Labcorp
Classification: Uncertain significance. Last evaluated: 2025-05-26. Review status: criteria provided, single submitter. Criteria: Invitae Variant Classification Sherloc (09022015). Collection method: clinical testing. Allele origin: germline.
Comment: This sequence change creates a premature translational stop signal (p.Met34Valfs*4) in the ACVR1 gene. It is expected to result in an absent or disrupted protein product. However, the current clinical and genetic evidence is not sufficient to establish whether loss-of-function variants in ACVR1 cause disease. This variant is present in population databases (rs752191696, gnomAD 0.003%). This variant has not been reported in the literature in individuals affected with ACVR1-related conditions. ClinVar contains an entry for this variant (Variation ID: 3019117). In summary, the available evidence is currently insufficient to determine the role of this variant in disease. Therefore, it has been classified as a Variant of Uncertain Significance.